The following is an entry in ClinVar:

NM_030912.3(TRIM8):c.1178C>A (p.Ser393Ter)

Gene: TRIM8 (tripartite motif containing 8; plus strand). Cytogenetic location: 10q24.32.
Variant type: single nucleotide variant.
Coding change: c.1178C>A on transcript NM_030912.3 (MANE Select); coding-DNA position 1178, C replaced by A.
Protein change: p.Ser393Ter; replaces serine 393 with a stop codon.
Molecular consequence: nonsense. On other transcripts: non-coding transcript variant (1).
Genome position (GRCh38, 1-based): chr10:102,656,876, C>A. VCF-style: chr10-102656876-C-A. GRCh37 (hg19) VCF-style: chr10-104416633-C-A.
Other names: c.1082C>A, p.Ser361Ter (NM_001345950.1); short protein forms S393*, S361*.
Identifiers: ClinVar variation 4996018 (VCV004996018.1).

ClinVar aggregate classification (germline): Likely pathogenic (1 of 4 stars; one submission).

Conditions:
TRIM8-related disorder. Also called: TRIM8-related condition.

Submission:

PreventionGenetics, part of Exact Sciences
Classification: Likely pathogenic for TRIM8-related condition. Last evaluated: 2026-06-18. Review status: criteria provided, single submitter. Criteria: ACMG Guidelines, 2015. Collection method: clinical testing. Allele origin: germline.
Comment: The TRIM8 c.1178C>A variant is predicted to result in premature protein termination (p.Ser393*). To our knowledge, this variant has not been reported in the literature or in a large population database (gnomAD), indicating this variant is rare. Nonsense variants in TRIM8 are expected to be pathogenic. Of note, causative de novo truncating variants in TRIM8 are non‑randomly distributed and clustered within the last exon between residues 390 and 487 of the 551‑amino acid protein (see for example, Weng et al. 2021. PubMed ID: 33508234; Assoum et al. 2018. PubMed ID: 30244534). The c.1178C>A (p.Ser393*) variant falls precisely within this region. This variant is interpreted as likely pathogenic.